The following is an entry in ClinVar:

NM_005097.4(LGI1):c.374A>G (p.Asn125Ser)

Gene: LGI1 (leucine rich glioma inactivated 1; plus strand). Cytogenetic location: 10q23.33.
Variant type: single nucleotide variant.
Coding change: c.374A>G on transcript NM_005097.4 (MANE Select); coding-DNA position 374, A replaced by G.
Protein change: p.Asn125Ser; replaces asparagine 125 with serine.
Molecular consequence: missense variant. On other transcripts: intron variant (1).
Genome position (GRCh38, 1-based): chr10:93,777,560, A>G. VCF-style: chr10-93777560-A-G. GRCh37 (hg19) VCF-style: chr10-95537317-A-G.
Other names: c.374A>G, p.Asn125Ser (NM_001308275.2); c.288-12539A>G (NM_001308276.2); short protein forms N125S.
Identifiers: ClinVar variation 2163930 (VCV002163930.4), dbSNP rs2059805734, ClinGen allele CA377620970.
Genomic context (GRCh38, chr10:93,777,560, plus strand): 5'-CAAGTTCCTGTAACTGTTTGACAAAAAATATTATAACTTATTGCAGATTCATAGAAAACA[A>G]CAACATCAAGTCAATTTCAAGACATACTTTCCGGGGACTAAAGTCATTAATTCACTTGTA-3'
Protein context (NP_005088.1, residues 115-135): PHLEYLFIEN[Asn125Ser]NIKSISRHTF

ClinVar aggregate classification (germline): Uncertain significance (1 of 4 stars; one submission).

Conditions:
Autosomal dominant epilepsy with auditory features. Identifiers: Orphanet 101046, MedGen C1838062, MONDO:0010898.

Allele frequency attached by ClinVar (database versions not stated): TOPMed below 0.00001.

Submission:

Labcorp Genetics (formerly Invitae), Labcorp
Classification: Uncertain significance for Autosomal dominant epilepsy with auditory features. Last evaluated: 2023-10-03. Review status: criteria provided, single submitter. Criteria: Invitae Variant Classification Sherloc (09022015). Collection method: clinical testing. Allele origin: germline.
Comment: This sequence change replaces asparagine, which is neutral and polar, with serine, which is neutral and polar, at codon 125 of the LGI1 protein (p.Asn125Ser). This variant is not present in population databases (gnomAD no frequency). This variant has not been reported in the literature in individuals affected with LGI1-related conditions. ClinVar contains an entry for this variant (Variation ID: 2163930). Advanced modeling of protein sequence and biophysical properties (such as structural, functional, and spatial information, amino acid conservation, physicochemical variation, residue mobility, and thermodynamic stability) performed at Invitae indicates that this missense variant is not expected to disrupt LGI1 protein function. In summary, the available evidence is currently insufficient to determine the role of this variant in disease. Therefore, it has been classified as a Variant of Uncertain Significance.